The following is an entry in ClinVar:

ClinVar aggregate classification (germline): Uncertain significance (1 of 4 stars; one submission).

Conditions:
Mucopolysaccharidosis type 6 (MPS6). Also called: ARSB DEFICIENCY; ARYLSULFATASE B DEFICIENCY; MPS 6; Maroteaux Lamy syndrome; N-ACETYLGALACTOSAMINE-4-SULFATASE DEFICIENCY; MPS VI. Identifiers: Orphanet 583, MedGen C0026709, MONDO:0009661, OMIM 253200.

Submission:

Foundation for Research in Genetics and Endocrinology, FRIGE's Institute of Human Genetics
Classification: Uncertain significance for Mucopolysaccharidosis type 6. Last evaluated: 2022-12-24. Review status: criteria provided, single submitter. Criteria: ACMG Guidelines, 2015. Collection method: clinical testing. Allele origin: germline. Inheritance: Autosomal recessive inheritance. Affected: yes. Observed: 1 compound heterozygote.
Comment: A heterozygous missense variation in exon 7 of ARSB gene that results in amino acid substitution of Proline for Alanine at codon 431 was detected. The observed variant c.1291G>C (p.Ala431Pro) has not been reported in the 1000 genomes and gnomAD databases. The in-silico predictions for the variant is disease causing by MutationTaster2, SIFT and PROVEAN. In summary, the variant is of uncertain significance.

NM_000046.5(ARSB):c.1291G>C (p.Ala431Pro)

Gene: ARSB (arylsulfatase B; minus strand). Cytogenetic location: 5q14.1.
Variant type: single nucleotide variant.
Coding change: c.1291G>C on transcript NM_000046.5 (MANE Select); coding-DNA position 1291, G replaced by C.
Protein change: p.Ala431Pro; replaces alanine 431 with proline.
Molecular consequence: missense variant.
Genome position (GRCh38, 1-based): chr5:78,781,897, C>G on the plus strand (G>C on the coding strand, the complement: ARSB is on the minus strand). VCF-style: chr5-78781897-C-G. GRCh37 (hg19) VCF-style: chr5-78077720-C-G.
Other names: p.Ala431Pro; short protein forms A431P.
Identifiers: ClinVar variation 1810396 (VCV001810396.2), dbSNP rs756933794, ClinGen allele CA360339972.
Genomic context (GRCh38, chr5:78,781,897, plus strand): 5'-AGCTAAGGACTCTACCTGGGTAGCCCGTGAGGAGTTTCCAATTTCCATGTCTAATTGCAG[C>G]ATGGACAGATGTGTTAAAGGCTGAATATTCTGGAAGAGAAGAGTCATCCTTTGCTGGAGC-3'
Protein context (NP_000037.2, residues 421-441): EYSAFNTSVH[Ala431Pro]AIRHGNWKLL